The following is an entry in ClinVar:

NM_000535.7(PMS2):c.2181G>A (p.Gln727=)

Gene: PMS2 (PMS1 homolog 2, mismatch repair system component; minus strand). Cytogenetic location: 7p22.1.
Variant type: single nucleotide variant.
Coding change: c.2181G>A on transcript NM_000535.7 (MANE Select); coding-DNA position 2181, G replaced by A.
Protein change: p.Gln727=; no amino-acid change (glutamine 727 retained).
Molecular consequence: synonymous variant. On other transcripts: non-coding transcript variant (1).
Genome position (GRCh38, 1-based): chr7:5,978,690, C>T on the plus strand (G>A on the coding strand, the complement: PMS2 is on the minus strand). VCF-style: chr7-5978690-C-T. GRCh37 (hg19) VCF-style: chr7-6018321-C-T.
Other names: c.1776G>A, p.Gln592= (NM_001322003.2, NM_001322004.2, NM_001322005.2 and 1 more transcripts); c.2025G>A, p.Gln675= (NM_001322006.2); c.1863G>A, p.Gln621= (NM_001322007.2, NM_001322008.2); c.1620G>A, p.Gln540= (NM_001322010.2); c.1248G>A, p.Gln416= (NM_001322011.2, NM_001322012.2); c.1608G>A, p.Gln536= (NM_001322013.2); c.2181G>A, p.Gln727= (NM_001322014.2); c.1872G>A, p.Gln624= (NM_001322015.2).
Identifiers: ClinVar variation 768679 (VCV000768679.13), dbSNP rs1583286283, ClinGen allele CA453642742.

ClinVar aggregate classification (germline): Benign/Likely benign. Review status: criteria provided, multiple submitters, no conflicts (2 of 4 stars). 3 submissions from 3 submitters: Benign (1); Likely benign (2). Last evaluated 2025-02-03.

Conditions:
Hereditary nonpolyposis colorectal neoplasms. Identifiers: MedGen C0009405, MeSH D003123.
Hereditary cancer-predisposing syndrome. Also called: Neoplastic Syndromes, Hereditary; Hereditary Cancer Syndrome; Tumor predisposition; Hereditary neoplastic syndrome. Identifiers: Orphanet 140162, MedGen C0027672, MeSH D009386, MONDO:0015356.
Lynch syndrome 4 (LYNCH4). Also called: Colorectal cancer, hereditary nonpolyposis, type 4; Hereditary non-polyposis colorectal cancer, type 4. Identifiers: Orphanet 144, MedGen C1838333, MONDO:0013699, OMIM 614337. Disease mechanism: loss of function.

Submissions (3):

Myriad Genetics, Inc.
Classification: Benign for Lynch syndrome 4. Last evaluated: 2025-02-03. Review status: criteria provided, single submitter. Criteria: Myriad Autosomal Dominant, Autosomal Recessive and X-Linked Classification Criteria (2023). Collection method: clinical testing. Allele origin: unknown.
Comment: This variant is considered benign. This variant is a silent/synonymous amino acid change and it is not expected to impact splicing.

Labcorp Genetics (formerly Invitae), Labcorp
Classification: Likely benign for Hereditary nonpolyposis colorectal neoplasms. Last evaluated: 2024-07-26. Review status: criteria provided, single submitter. Criteria: Invitae Variant Classification Sherloc (09022015). Collection method: clinical testing. Allele origin: germline.

Ambry Genetics
Classification: Likely benign for Hereditary cancer-predisposing syndrome. Last evaluated: 2018-12-14. Review status: criteria provided, single submitter. Criteria: Ambry Variant Classification Scheme 2023. Collection method: clinical testing. Allele origin: germline.